The following is an entry in ClinVar:

ClinVar aggregate classification (germline): Uncertain significance (1 of 4 stars; one submission).

Conditions:
PURA-related severe neonatal hypotonia-seizures-encephalopathy syndrome (NEDRIHF). Also called: NEURODEVELOPMENTAL DISORDER WITH NEONATAL RESPIRATORY INSUFFICIENCY, HYPOTONIA, AND FEEDING DIFFICULTIES; PURA-Related Neurodevelopmental Disorders. Identifiers: Orphanet 438213, Orphanet 438216, MedGen C4015357, MONDO:1060108, OMIM 616158, MONDO:0018580.

Submission:

Labcorp Genetics (formerly Invitae), Labcorp
Classification: Uncertain significance for PURA-related severe neonatal hypotonia-seizures-encephalopathy syndrome. Last evaluated: 2023-10-14. Review status: criteria provided, single submitter. Criteria: Invitae Variant Classification Sherloc (09022015). Collection method: clinical testing. Allele origin: germline.
Comment: This variant, c.108_113del, results in the deletion of 2 amino acid(s) of the PURA protein (p.Gly41_Gly42del), but otherwise preserves the integrity of the reading frame. The frequency data for this variant in the population databases is considered unreliable, as metrics indicate insufficient coverage at this position in the gnomAD database. This variant has not been reported in the literature in individuals affected with PURA-related conditions. In summary, the available evidence is currently insufficient to determine the role of this variant in disease. Therefore, it has been classified as a Variant of Uncertain Significance.

NM_005859.5(PURA):c.108_113del (p.Gly41_Gly42del)

Gene: PURA (purine rich element binding protein A; plus strand). Cytogenetic location: 5q31.3.
Variant type: Deletion.
Coding change: c.108_113del on transcript NM_005859.5 (MANE Select); coding-DNA positions 108 to 113, 6 bases deleted (CGGCGG; older notation c.108_113delCGGCGG).
Protein change: p.Gly41_Gly42del.
Molecular consequence: inframe deletion.
Genome position (GRCh38, 1-based): chr5:140,114,289-140,114,294, CGGCGG deleted; deleting any 6 consecutive bases within chr5:140,114,287-140,114,294 gives the same sequence; the c. name uses the placement nearest the transcript's 3' end. VCF-style (leftmost placement, unchanged base first): chr5-140114286-TGGCGGC-T. GRCh37 (hg19) VCF-style: chr5-139493871-TGGCGGC-T.
Identifiers: ClinVar variation 2919414 (VCV002919414.3), dbSNP rs1324631618, ClinGen allele CA2578424820.
Genomic context (GRCh38, chr5:140,114,286, plus strand): 5'-GGGTTCGGGCGGCTCCCTGGGGCACCCCGGCTCGGGCTCAGGCTCCGGCGGGGGCGGTGG[TGGCGGC>T]GGGGGCGGCGGCGGCAGTGGCGGCGGCGGCGGCGGGGCCCCAGGGGGGCTGCAGCACGAG-3'